The following is an entry in ClinVar:

ClinVar aggregate classification (germline): Benign/Likely benign. Review status: criteria provided, multiple submitters, no conflicts (2 of 4 stars). 5 submissions from 5 submitters: Benign (2); Likely benign (2). 1 of the submissions does not count toward it. Last evaluated 2026-01-17.

Conditions:
Hereditary cancer-predisposing syndrome. Also called: Hereditary Cancer Syndrome; Hereditary neoplastic syndrome; Neoplastic Syndromes, Hereditary; Tumor predisposition. Identifiers: Orphanet 140162, MedGen C0027672, MeSH D009386, MONDO:0015356.
Lung cancer. Also called: Malignant tumor of lung; Lung cancer, somatic. Identifiers: MedGen C0242379, MONDO:0008903, OMIM 211980.
EGFR-related lung cancer (EGFR). Identifiers: MedGen CN130014.

Allele frequency attached by ClinVar (database versions not stated): gnomAD 0.00013 and 0.00012; gnomAD exomes 0.00006 and 0.00008; ESP Exome Variant Server 0.00008; ExAC 0.00010; TOPMed 0.00010.
gnomAD v4.1: 109 of 1,614,106 alleles (0.0068%); highest among the groups gnomAD compares: South Asian, 0.026%; no homozygotes.

Submissions (5):

Labcorp Genetics (formerly Invitae), Labcorp
Classification: Likely benign for EGFR-related lung cancer. Last evaluated: 2026-01-17. Review status: criteria provided, single submitter. Criteria: Invitae Variant Classification Sherloc (09022015). Collection method: clinical testing. Allele origin: germline.

Myriad Genetics, Inc.
Classification: Benign for Lung cancer. Last evaluated: 2024-10-16. Review status: criteria provided, single submitter. Criteria: Myriad Autosomal Dominant, Autosomal Recessive and X-Linked Classification Criteria (2023). Collection method: clinical testing. Allele origin: unknown.
Comment: This variant is considered benign. This variant is a silent/synonymous amino acid change and it is not expected to impact splicing.

Ambry Genetics
Classification: Likely benign for Hereditary cancer-predisposing syndrome. Last evaluated: 2024-08-21. Review status: criteria provided, single submitter. Criteria: Ambry Variant Classification Scheme 2023. Collection method: clinical testing. Allele origin: germline.

Quest Diagnostics Nichols Institute San Juan Capistrano
Classification: Benign. Last evaluated: 2022-11-04. Review status: criteria provided, single submitter. Criteria: Quest Diagnostics criteria. Collection method: clinical testing. Allele origin: unknown.

Laboratory for Molecular Medicine, Mass General Brigham Personalized Medicine
Classification: Likely benign. Last evaluated: 2009-03-18. Review status: no assertion criteria provided. Collection method: clinical testing. Allele origin: somatic. Observed: 1 variant allele. Not counted in ClinVar's aggregate classification.

NM_005228.5(EGFR):c.2166G>A (p.Ala722=)

Gene: EGFR (epidermal growth factor receptor; plus strand). Cytogenetic location: 7p11.2.
Variant type: single nucleotide variant.
Coding change: c.2166G>A on transcript NM_005228.5 (MANE Select); coding-DNA position 2166, G replaced by A.
Protein change: p.Ala722=; no amino-acid change (alanine 722 retained).
Molecular consequence: synonymous variant.
Genome position (GRCh38, 1-based): chr7:55,174,025, G>A. VCF-style: chr7-55174025-G-A. GRCh37 (hg19) VCF-style: chr7-55241718-G-A.
Other names: c.2166G>A (NM_005228.4); c.2031G>A, p.Ala677= (NM_001346897.2, NM_001346899.2); c.2166G>A, p.Ala722= (NM_001346898.2); c.2007G>A, p.Ala669= (NM_001346900.2); c.1365G>A, p.Ala455= (NM_001346941.2).
Identifiers: ClinVar variation 45226 (VCV000045226.17), dbSNP rs367694667, ClinGen allele CA135778.